The following is an entry in ClinVar:

ClinVar aggregate classification (germline): Pathogenic/Likely pathogenic. Review status: criteria provided, multiple submitters, no conflicts (2 of 4 stars). 2 submissions from 2 submitters: Pathogenic (1); Likely pathogenic (1). Last evaluated 2025-12-26.

Conditions:
Smith-Lemli-Opitz syndrome (SLOS). Also called: LETHAL ACRODYSGENITAL SYNDROME; POLYDACTYLY, SEX REVERSAL, RENAL HYPOPLASIA, AND UNILOBAR LUNG; RSH SYNDROME; RUTLEDGE LETHAL MULTIPLE CONGENITAL ANOMALY SYNDROME; 7-Dehydrocholesterol reductase deficiency. Identifiers: Orphanet 818, MedGen C0175694, MONDO:0010035, OMIM 270400.

Submissions (2):

Natera, Inc.
Classification: Likely pathogenic for Smith-Lemli-Opitz syndrome. Last evaluated: 2025-12-26. Review status: criteria provided, single submitter. Criteria: Natera Variant Classification Schema (03/2026). Collection method: clinical testing. Allele origin: germline.
Comment: The c.359_374delAGTTTCTACCCGGCTA variant in DHCR7 is a frameshift variant predicted to shift the reading frame beginning at codon 120 and leads to a stop codon 2 codons downstream. This variant is expected to result in nonsense mediated decay, truncation, or a dysfunctional protein product. This variant is rare in the general population with a frequency below the threshold expected for the associated phenotype(s). Given the available evidence, this variant is classified as Likely Pathogenic.

Labcorp Genetics (formerly Invitae), Labcorp
Classification: Pathogenic for Smith-Lemli-Opitz syndrome. Last evaluated: 2024-03-06. Review status: criteria provided, single submitter. Criteria: Invitae Variant Classification Sherloc (09022015). Collection method: clinical testing. Allele origin: germline.
Comment: This sequence change creates a premature translational stop signal (p.Lys120Thrfs*2) in the DHCR7 gene. It is expected to result in an absent or disrupted protein product. Loss-of-function variants in DHCR7 are known to be pathogenic (PMID: 9634533, 10677299). This variant is present in population databases (rs780955628, gnomAD 0.003%). This variant has not been reported in the literature in individuals affected with DHCR7-related conditions. For these reasons, this variant has been classified as Pathogenic.

Literature cited by the submitters: PubMed 9634533 (cited by Labcorp Genetics (formerly Invitae), Labcorp); PubMed 10677299 (cited by Labcorp Genetics (formerly Invitae), Labcorp).

NM_001360.3(DHCR7):c.359_374del (p.Lys120fs)

Gene: DHCR7 (7-dehydrocholesterol reductase; minus strand). Cytogenetic location: 11q13.4.
Variant type: Deletion.
Coding change: c.359_374del on transcript NM_001360.3 (MANE Select); coding-DNA positions 359 to 374, 16 bases deleted (AGTTTCTACCCGGCTA).
Protein change: p.Lys120fs; shifts the reading frame from lysine 120.
Molecular consequence: frameshift variant.
Genome position (GRCh38, 1-based): chr11:71,442,301-71,442,316, TAGCCGGGTAGAAACT deleted on the plus strand (AGTTTCTACCCGGCTA on the coding strand, the reverse complement: DHCR7 is on the minus strand); deleting any 16 consecutive bases within chr11:71,442,301-71,442,318 gives the same sequence; the c. name uses the placement nearest the transcript's 3' end. VCF-style (leftmost placement, unchanged base first): chr11-71442300-GTAGCCGGGTAGAAACT-G. GRCh37 (hg19) VCF-style: chr11-71153346-GTAGCCGGGTAGAAACT-G.
Other names: c.359_374delAGTTTCTACCCGGCTA (NM_001360.2); c.359_374del, p.Lys120fs (NM_001163817.2, NM_001425107.1, NM_001425109.1 and 7 more transcripts); c.395_410del, p.Lys132fs (NM_001425108.1); c.299_314del, p.Lys100fs (NM_001425113.1); c.263_278del, p.Lys88fs (NM_001425114.1, NM_001425116.1); c.185_200del, p.Lys62fs (NM_001425117.1); short protein forms K62fs, K100fs, K132fs, K88fs, K120fs.
Identifiers: ClinVar variation 3695689 (VCV003695689.3).